The following is an entry in ClinVar:

ClinVar aggregate classification (germline): Uncertain significance. Review status: criteria provided, multiple submitters, no conflicts (2 of 4 stars). 2 submissions from 2 submitters: Uncertain significance (2). Last evaluated 2023-12-04.

Conditions:
Hereditary cancer-predisposing syndrome. Also called: Neoplastic Syndromes, Hereditary; Hereditary Cancer Syndrome; Tumor predisposition; Hereditary neoplastic syndrome. Identifiers: Orphanet 140162, MedGen C0027672, MeSH D009386, MONDO:0015356.
BAP1-related tumor predisposition syndrome (TPDS1). Also called: COMMON Syndrome; TUMOR PREDISPOSITION SYNDROME 1; Tumor susceptibility linked to germline BAP1 mutations; BAP1 tumor predisposition syndrome. Identifiers: Orphanet 289539, MedGen C3280492, MONDO:0013692, OMIM 614327.

Submissions (2):

Color Diagnostics, LLC DBA Color Health
Classification: Uncertain significance for Hereditary cancer-predisposing syndrome. Last evaluated: 2023-12-04. Review status: criteria provided, single submitter. Criteria: ACMG Guidelines, 2015. Collection method: clinical testing. Allele origin: germline.
Comment: This missense variant replaces threonine with isoleucine at codon 203 of the BAP1 protein. Computational prediction tools and conservation analyses are inconclusive regarding the impact of this variant on the protein function. Computational splicing tools suggest that this variant may not impact RNA splicing. To our knowledge, functional assays have not been performed for this variant nor has this variant been reported in individuals affected with hereditary cancer in the literature. This variant has not been identified in the general population by the Genome Aggregation Database (gnomAD). Available evidence is insufficient to determine the role of this variant in disease conclusively. Therefore, this variant is classified as a Variant of Uncertain Significance.

Labcorp Genetics (formerly Invitae), Labcorp
Classification: Uncertain significance for BAP1-related tumor predisposition syndrome. Last evaluated: 2022-09-09. Review status: criteria provided, single submitter. Criteria: Invitae Variant Classification Sherloc (09022015). Collection method: clinical testing. Allele origin: germline.
Comment: This variant is not present in population databases (gnomAD no frequency). In summary, the available evidence is currently insufficient to determine the role of this variant in disease. Therefore, it has been classified as a Variant of Uncertain Significance. Advanced modeling of protein sequence and biophysical properties (such as structural, functional, and spatial information, amino acid conservation, physicochemical variation, residue mobility, and thermodynamic stability) performed at Invitae indicates that this missense variant is expected to disrupt BAP1 protein function. ClinVar contains an entry for this variant (Variation ID: 928057). This variant has not been reported in the literature in individuals affected with BAP1-related conditions. This sequence change replaces threonine, which is neutral and polar, with isoleucine, which is neutral and non-polar, at codon 203 of the BAP1 protein (p.Thr203Ile).

NM_004656.4(BAP1):c.608C>T (p.Thr203Ile)

Gene: BAP1 (BRCA1 associated deubiquitinase 1; minus strand). Cytogenetic location: 3p21.1.
Variant type: single nucleotide variant.
Coding change: c.608C>T on transcript NM_004656.4 (MANE Select); coding-DNA position 608, C replaced by T.
Protein change: p.Thr203Ile; replaces threonine 203 with isoleucine.
Molecular consequence: missense variant.
Genome position (GRCh38, 1-based): chr3:52,406,880, G>A on the plus strand (C>T on the coding strand, the complement: BAP1 is on the minus strand). VCF-style: chr3-52406880-G-A. GRCh37 (hg19) VCF-style: chr3-52440896-G-A.
Other names: short protein forms T203I.
Identifiers: ClinVar variation 928057 (VCV000928057.10), dbSNP rs1705178509, ClinGen allele CA353109050.